The following is an entry in ClinVar:

ClinVar aggregate classification (germline): Uncertain significance. Review status: criteria provided, multiple submitters, no conflicts (2 of 4 stars). 2 submissions from 2 submitters: Uncertain significance (2). Last evaluated 2024-12-05.

Conditions:
Neuropathy, hereditary sensory and autonomic, type 2A (HSAN2A). Also called: ACROOSTEOLYSIS, GIACCAI TYPE; ACROOSTEOLYSIS, NEUROGENIC; HSAN IIA; WNK1-Related HSAN2 (HSAN2A); MORVAN DISEASE; NEUROPATHY, CONGENITAL SENSORY. Identifiers: Orphanet 970, MedGen C2752089, MONDO:0024309, OMIM 201300.
Generalized epilepsy with febrile seizures plus, type 7 (GEFSP7). Also called: GEFS+, TYPE 7. Identifiers: Orphanet 36387, MedGen C2751778, MONDO:0013470, OMIM 613863.

Allele frequency attached by ClinVar (database versions not stated): gnomAD 0.00001; TOPMed 0.00001; gnomAD exomes 0.00002; ExAC 0.00003; ESP Exome Variant Server 0.00008.
gnomAD v4.1: 11 of 1,612,006 alleles (0.00068%); highest among the groups gnomAD compares: Admixed American, 0.0017%; no homozygotes.

Submissions (2):

Labcorp Genetics (formerly Invitae), Labcorp
Classification: Uncertain significance for Neuropathy, hereditary sensory and autonomic, type 2A; Generalized epilepsy with febrile seizures plus, type 7. Last evaluated: 2024-12-05. Review status: criteria provided, single submitter. Criteria: Invitae Variant Classification Sherloc (09022015). Collection method: clinical testing. Allele origin: germline.
Comment: This sequence change replaces arginine, which is basic and polar, with glutamine, which is neutral and polar, at codon 824 of the SCN9A protein (p.Arg824Gln). This variant is present in population databases (rs375375336, gnomAD 0.007%). This variant has not been reported in the literature in individuals affected with SCN9A-related conditions. ClinVar contains an entry for this variant (Variation ID: 1163421). Invitae Evidence Modeling of protein sequence and biophysical properties (such as structural, functional, and spatial information, amino acid conservation, physicochemical variation, residue mobility, and thermodynamic stability) indicates that this missense variant is not expected to disrupt SCN9A protein function with a negative predictive value of 80%. In summary, the available evidence is currently insufficient to determine the role of this variant in disease. Therefore, it has been classified as a Variant of Uncertain Significance.

Mayo Clinic Laboratories, Mayo Clinic
Classification: Uncertain significance. Last evaluated: 2020-05-21. Review status: criteria provided, single submitter. Criteria: ACMG Guidelines, 2015. Collection method: clinical testing. Allele origin: germline. Observed: 1 variant allele.

NM_001365536.1(SCN9A):c.2504G>A (p.Arg835Gln)

Genes: SCN1A-AS1 (SCN1A and SCN9A antisense RNA 1; plus strand), SCN9A (sodium voltage-gated channel alpha subunit 9; minus strand). Cytogenetic location: 2q24.3.
Variant type: single nucleotide variant.
Coding change: c.2504G>A on transcript NM_001365536.1 (MANE Select); coding-DNA position 2504, G replaced by A.
Protein change: p.Arg835Gln; replaces arginine 835 with glutamine.
Molecular consequence: missense variant.
Genome position (GRCh38, 1-based): chr2:166,278,153, C>T on the plus strand (G>A on the coding strand, the complement: SCN9A is on the minus strand). VCF-style: chr2-166278153-C-T. GRCh37 (hg19) VCF-style: chr2-167134663-C-T.
Other names: c.2471G>A, p.Arg824Gln (NM_002977.4); short protein forms R824Q, R835Q.
Identifiers: ClinVar variation 1163421 (VCV001163421.10), dbSNP rs375375336, ClinGen allele CA1944264.